The following is an entry in ClinVar:

NM_212482.4(FN1):c.5341C>T (p.Gln1781Ter)

Gene: FN1 (fibronectin 1; minus strand). Cytogenetic location: 2q35.
Variant type: single nucleotide variant.
Coding change: c.5341C>T on transcript NM_212482.4 (MANE Select); coding-DNA position 5341, C replaced by T.
Protein change: p.Gln1781Ter; replaces glutamine 1781 with a stop codon.
Molecular consequence: nonsense. On other transcripts: intron variant (10).
Genome position (GRCh38, 1-based): chr2:215,380,904, G>A on the plus strand (C>T on the coding strand, the complement: FN1 is on the minus strand). VCF-style: chr2-215380904-G-A. GRCh37 (hg19) VCF-style: chr2-216245627-G-A.
Other names: c.5341C>T, p.Gln1781Ter (NM_001306129.2); c.5068C>T, p.Gln1690Ter (NM_001365518.2, NM_001365520.2, NM_001365524.2 and 2 more transcripts); c.4891+1308C>T (NM_212474.3, NM_001306132.2, NM_001365523.2 and 2 more transcripts); c.5164+1308C>T (NM_001306130.2, NM_001365522.2, NM_001365519.2 and 2 more transcripts); short protein forms Q1690*, Q1781*.
Identifiers: ClinVar variation 2014295 (VCV002014295.4), dbSNP rs2469521033, ClinGen allele CA350474367.

ClinVar aggregate classification (germline): Uncertain significance (1 of 4 stars; one submission).

Submission:

Labcorp Genetics (formerly Invitae), Labcorp
Classification: Uncertain significance. Last evaluated: 2022-07-06. Review status: criteria provided, single submitter. Criteria: Invitae Variant Classification Sherloc (09022015). Collection method: clinical testing. Allele origin: germline.
Comment: This sequence change creates a premature translational stop signal (p.Gln1781*) in the FN1 gene. It is expected to result in an absent or disrupted protein product. However, the current clinical and genetic evidence is not sufficient to establish whether loss-of-function variants in FN1 cause disease. This variant is not present in population databases (gnomAD no frequency). In summary, the available evidence is currently insufficient to determine the role of this variant in disease. Therefore, it has been classified as a Variant of Uncertain Significance. This variant has not been reported in the literature in individuals affected with FN1-related conditions.